The following is an entry in ClinVar:

NM_006831.3(CLP1):c.897G>A (p.Glu299=)

Gene: CLP1 (cleavage factor polyribonucleotide kinase subunit 1; plus strand). Cytogenetic location: 11q12.1.
Variant type: single nucleotide variant.
Coding change: c.897G>A on transcript NM_006831.3 (MANE Select); coding-DNA position 897, G replaced by A.
Protein change: p.Glu299=; no amino-acid change (glutamic acid 299 retained).
Molecular consequence: synonymous variant.
Genome position (GRCh38, 1-based): chr11:57,661,055, G>A. VCF-style: chr11-57661055-G-A. GRCh37 (hg19) VCF-style: chr11-57428527-G-A.
Other names: c.705G>A, p.Glu235= (NM_001142597.2).
Identifiers: ClinVar variation 5038688 (VCV005038688.1).
Genomic context (GRCh38, chr11:57,661,055, plus strand): 5'-CCCTAAATCTGGGGGTGTGGTGGAGCGCTCCAAGGACTTCCGGCGGGAATGTAGGGATGA[G>A]CGTATCCGTGAGTATTTTTATGGATTCCGAGGCTGTTTCTATCCCCATGCCTTCAATGTC-3'
Protein context (NP_006822.1, residues 289-309): SKDFRRECRD[Glu299=]RIREYFYGFR

ClinVar aggregate classification (germline): Likely benign (1 of 4 stars; one submission).

Submission:

CeGaT Center for Human Genetics Tuebingen
Classification: Likely benign. Last evaluated: 2026-07-01. Review status: criteria provided, single submitter. Criteria: CeGaT Center For Human Genetics Tuebingen Variant Classification Criteria Version 2. Collection method: clinical testing. Allele origin: germline. Affected: yes. Observed: 1 variant allele.
Comment: CLP1: PM2:Supporting, BP4, BP7